The following is an entry in ClinVar:

NM_144628.4(TBC1D20):c.290A>G (p.Gln97Arg)

Gene: TBC1D20 (TBC1 domain family member 20; minus strand). Cytogenetic location: 20p13.
Variant type: single nucleotide variant.
Coding change: c.290A>G on transcript NM_144628.4 (MANE Select); coding-DNA position 290, A replaced by G.
Protein change: p.Gln97Arg; replaces glutamine 97 with arginine.
Molecular consequence: missense variant. On other transcripts: non-coding transcript variant (1).
Genome position (GRCh38, 1-based): chr20:445,097, T>C on the plus strand (A>G on the coding strand, the complement: TBC1D20 is on the minus strand). VCF-style: chr20-445097-T-C. GRCh37 (hg19) VCF-style: chr20-425741-T-C.
Other names: c.290A>G (NM_144628.2); short protein forms Q97R.
Identifiers: ClinVar variation 1706406 (VCV001706406.5), dbSNP rs777646888, ClinGen allele CA9723666.

ClinVar aggregate classification (germline): Uncertain significance. Review status: criteria provided, multiple submitters, no conflicts (2 of 4 stars). 2 submissions from 2 submitters: Uncertain significance (2). Last evaluated 2022-03-15.

Conditions:
Inborn genetic diseases. Identifiers: MedGen C0950123, MeSH D030342.

Allele frequency attached by ClinVar (database versions not stated): gnomAD exomes 0.00002; ExAC 0.00003; gnomAD 0.00003; TOPMed 0.00005.
gnomAD v4.1: 36 of 1,604,416 alleles (0.0022%); highest among the groups gnomAD compares: African/African-American, 0.013%; no homozygotes.

Submissions (2):

GeneDx
Classification: Uncertain significance. Last evaluated: 2022-03-15. Review status: criteria provided, single submitter. Criteria: GeneDx Variant Classification Process June 2021. Collection method: clinical testing. Allele origin: germline. Affected: yes.
Comment: In silico analysis supports that this missense variant does not alter protein structure/function; Has not been previously published as pathogenic or benign to our knowledge

Ambry Genetics
Classification: Uncertain significance for Inborn genetic diseases. Last evaluated: 2021-10-14. Review status: criteria provided, single submitter. Criteria: Ambry Variant Classification Scheme 2023. Collection method: clinical testing. Allele origin: germline.